The following is an entry in ClinVar:

ClinVar aggregate classification (germline): Likely pathogenic (1 of 4 stars; one submission).

Conditions:
Thyroid dyshormonogenesis 6 (TDH6). Also called: Genetic transient congenital hypothyroidism; HYPOTHYROIDISM, CONGENITAL, DUE TO DYSHORMONOGENESIS, 6; THYROID HORMONOGENESIS, GENETIC DEFECT IN, 6. Identifiers: Orphanet 226316, Orphanet 95716, MedGen C1846632, MONDO:0011792, OMIM 607200.

gnomAD v4.1: 3 of 1,614,246 alleles (0.00019%); highest among the groups gnomAD compares: East Asian, 0.0045%; no homozygotes.

Submission:

3billion
Classification: Likely pathogenic for Thyroid dyshormonogenesis 6. Last evaluated: 2023-08-05. Review status: criteria provided, single submitter. Criteria: ACMG Guidelines, 2015. Collection method: clinical testing. Allele origin: germline. Affected: yes.
Comment: The variant is observed at an extremely low frequency in the gnomAD v2.1.1 dataset (total allele frequency: 0.000%). Predicted Consequence/Location: Canonical splice site: predicted to alter splicing and result in a loss or disruption of normal protein function. Multiple pathogenic loss-of-function variants are reported downstream of the variant. Therefore, this variant is classified as Likely pathogenic according to the recommendation of ACMG/AMP guideline.

NM_001363711.2(DUOX2):c.3184+1G>A

Gene: DUOX2 (dual oxidase 2; minus strand). Cytogenetic location: 15q21.1.
Variant type: single nucleotide variant.
Coding change: c.3184+1G>A on transcript NM_001363711.2 (MANE Select); the canonical splice donor site of the intron after coding-DNA position 3184, G replaced by A.
Molecular consequence: splice donor variant.
Genome position (GRCh38, 1-based): chr15:45,100,049, C>T on the plus strand (G>A on the coding strand, the complement: DUOX2 is on the minus strand). VCF-style: chr15-45100049-C-T. GRCh37 (hg19) VCF-style: chr15-45392247-C-T.
Other names: c.3184+1G>A (NM_014080.5).
Identifiers: ClinVar variation 3775996 (VCV003775996.1).